The following is an entry in ClinVar:

NM_000138.5(FBN1):c.1297_1300dup (p.Tyr434Ter)

Gene: FBN1 (fibrillin 1; minus strand). Cytogenetic location: 15q21.1.
Variant type: Duplication.
Coding change: c.1297_1300dup on transcript NM_000138.5 (MANE Select); coding-DNA positions 1297 to 1300, 4 bases duplicated (GAAT; older notation c.1297_1300dupGAAT).
Protein change: p.Tyr434Ter; replaces tyrosine 434 with a stop codon.
Molecular consequence: nonsense.
Genome position (GRCh38, 1-based): chr15:48,516,210-48,516,213, ATTC duplicated on the plus strand (GAAT on the coding strand, the reverse complement: FBN1 is on the minus strand). VCF-style (leftmost placement, unchanged base first): chr15-48516209-T-TATTC. GRCh37 (hg19) VCF-style: chr15-48808406-T-TATTC.
Other names: c.1297_1300dupGAAT (NM_000138.4); short protein forms Y434*.
Identifiers: ClinVar variation 200204 (VCV000200204.2), dbSNP rs794728341, ClinGen allele CA304408.
Genomic context (GRCh38, chr15:48,516,209, plus strand): 5'-AAGAAAAATAACTAGATGATTTTTGAATTCTTACTTGGTGGCTCCCGAGATGGATACAGA[T>TATTC]ATTCCACTGGTGGTCGAGGGACCGGAATTTGAGGTCCAGGAGGAAAGCCAGGAGGAACAG-3'

ClinVar aggregate classification (germline): Pathogenic (1 of 4 stars; one submission).

Submission:

GeneDx
Classification: Pathogenic. Last evaluated: 2014-10-06. Review status: criteria provided, single submitter. Criteria: GeneDx Variant Classification (06012015). Collection method: clinical testing. Allele origin: germline. Affected: yes.
Comment: The c.1297_1300dupGAAT (Y434X) mutation in the FBN1 gene has not been reported as a pathogenic variant or as a benign polymorphism to our knowledge. Y434X as a result of a T to G substitution (c.1302 T>G) has been reported in one individual with Marfan syndrome or Marfan - like features in a study comparing denaturing high pressure liquid chromatography (DHPLC) to other variant detection methods (Liu et al., 1997). Specific clinical and family history information was not provided (Liu et al., 1997). c.1297_1300dupGAAT (Y434X) is predicted to cause loss of normal protein function either by protein truncation or nonsense - mediated mRNA decay. Other nonsense variants in the FBN1 gene have been reported in association with Marfan syndrome. Furthermore, the c.1300_1301insGAAT variant was not observed in approximately 6,500 individuals of European and African American ancestry in the NHLBI Exome Sequencing Project, indicating it is not a common benign variant in these populations. In summary, c.1297_1300dupGAAT (Y434X) in the FBN1 gene is interpreted as a pathogenic variant.